The following is an entry in ClinVar:

ClinVar aggregate classification (germline): Uncertain significance (1 of 4 stars; one submission).

Allele frequency attached by ClinVar (database versions not stated): gnomAD exomes below 0.00001.
gnomAD v4.1: 3 of 1,612,160 alleles (0.00019%); highest among the groups gnomAD compares: African/African-American, 0.0013%; no homozygotes.

Submission:

Labcorp Genetics (formerly Invitae), Labcorp
Classification: Uncertain significance. Last evaluated: 2025-12-16. Review status: criteria provided, single submitter. Criteria: Invitae Variant Classification Sherloc (09022015). Collection method: clinical testing. Allele origin: germline.
Comment: This sequence change replaces serine, which is neutral and polar, with leucine, which is neutral and non-polar, at codon 278 of the USH1G protein (p.Ser278Leu). This variant is not present in population databases (gnomAD no frequency). This variant has not been reported in the literature in individuals affected with USH1G-related conditions. ClinVar contains an entry for this variant (Variation ID: 2128462). Invitae Evidence Modeling of protein sequence and biophysical properties (such as structural, functional, and spatial information, amino acid conservation, physicochemical variation, residue mobility, and thermodynamic stability) indicates that this missense variant is not expected to disrupt USH1G protein function with a negative predictive value of 80%. In summary, the available evidence is currently insufficient to determine the role of this variant in disease. Therefore, it has been classified as a Variant of Uncertain Significance.

NM_173477.5(USH1G):c.833C>T (p.Ser278Leu)

Gene: USH1G (USH1 protein network component sans; minus strand). Cytogenetic location: 17q25.1.
Variant type: single nucleotide variant.
Coding change: c.833C>T on transcript NM_173477.5 (MANE Select); coding-DNA position 833, C replaced by T.
Protein change: p.Ser278Leu; replaces serine 278 with leucine.
Molecular consequence: missense variant.
Genome position (GRCh38, 1-based): chr17:74,920,003, G>A on the plus strand (C>T on the coding strand, the complement: USH1G is on the minus strand). VCF-style: chr17-74920003-G-A. GRCh37 (hg19) VCF-style: chr17-72916098-G-A.
Other names: c.524C>T, p.Ser175Leu (NM_001282489.3); short protein forms S278L, S175L.
Identifiers: ClinVar variation 2128462 (VCV002128462.4), dbSNP rs1450585986, ClinGen allele CA400963043.